The following is an entry in ClinVar:

ClinVar aggregate classification (germline): Uncertain significance (1 of 4 stars; one submission).

gnomAD v4.1: 7 of 1,613,954 alleles (0.00043%); highest among the groups gnomAD compares: Admixed American, 0.012%; no homozygotes.

Submission:

GeneDx
Classification: Uncertain significance. Last evaluated: 2025-05-02. Review status: criteria provided, single submitter. Criteria: GeneDx Variant Classification Process June 2021. Collection method: clinical testing. Allele origin: germline. Affected: yes.
Comment: Not observed at significant frequency in large population cohorts (gnomAD); In silico analysis supports that this missense variant has a deleterious effect on protein structure/function; Has not been previously published as pathogenic or benign to our knowledge

NM_020632.3(ATP6V0A4):c.2337T>A (p.Phe779Leu)

Gene: ATP6V0A4 (ATPase H+ transporting V0 subunit a4; minus strand). Cytogenetic location: 7q34.
Variant type: single nucleotide variant.
Coding change: c.2337T>A on transcript NM_020632.3 (MANE Select); coding-DNA position 2337, T replaced by A.
Protein change: p.Phe779Leu; replaces phenylalanine 779 with leucine.
Molecular consequence: missense variant.
Genome position (GRCh38, 1-based): chr7:138,709,716, A>T on the plus strand (T>A on the coding strand, the complement: ATP6V0A4 is on the minus strand). VCF-style: chr7-138709716-A-T. GRCh37 (hg19) VCF-style: chr7-138394461-A-T.
Other names: c.2337T>A, p.Phe779Leu (NM_130840.3, NM_130841.3); short protein forms F779L.
Identifiers: ClinVar variation 4527961 (VCV004527961.1).